The following is an entry in ClinVar:

NM_002473.6(MYH9):c.2768G>A (p.Arg923Lys)

Genes: MYH9 (myosin heavy chain 9; minus strand), LOC126863137 (CDK7 strongly-dependent group 2 enhancer GRCh37_chr22:36696002-36697201; plus strand). Cytogenetic location: 22q12.3.
Variant type: single nucleotide variant.
Coding change: c.2768G>A on transcript NM_002473.6 (MANE Select); coding-DNA position 2768, G replaced by A.
Protein change: p.Arg923Lys; replaces arginine 923 with lysine.
Molecular consequence: missense variant.
Genome position (GRCh38, 1-based): chr22:36,300,921, C>T on the plus strand (G>A on the coding strand, the complement: MYH9 is on the minus strand). VCF-style: chr22-36300921-C-T. GRCh37 (hg19) VCF-style: chr22-36696967-C-T.
Other names: p.Arg923Lys; short protein forms R923K.
Identifiers: ClinVar variation 3383026 (VCV003383026.3).

ClinVar aggregate classification (germline): Uncertain significance. Review status: criteria provided, multiple submitters, no conflicts (2 of 4 stars). 2 submissions from 2 submitters: Uncertain significance (2). Last evaluated 2025-11-28.

Conditions:
Autosomal dominant nonsyndromic hearing loss 17. Also called: Deafness, autosomal dominant 17; Autosomal dominant nonsyndromic deafness 17. Identifiers: Orphanet 90635, MedGen C1863659, MONDO:0011350, OMIM 603622.
Macrothrombocytopenia and granulocyte inclusions with or without nephritis or sensorineural hearing loss (MATINS). Also called: MAY-HEGGLIN ANOMALY; BLEEDING DISORDER, PLATELET-TYPE, 6; DOHLE LEUKOCYTE INCLUSIONS WITH GIANT PLATELETS; MACROTHROMBOCYTOPENIA WITH LEUKOCYTE INCLUSIONS; Fechtner syndrome; SEBASTIAN PLATELET SYNDROME. Identifiers: Orphanet 182050, MedGen C5200934, MONDO:0015912, OMIM 155100.

gnomAD v4.1: 4 of 1,608,922 alleles (0.00025%); highest among the groups gnomAD compares: African/African-American, 0.0013%; no homozygotes.

Submissions (2):

Mayo Clinic Laboratories, Mayo Clinic
Classification: Uncertain significance. Last evaluated: 2025-11-28. Review status: criteria provided, single submitter. Criteria: ACMG Guidelines, 2015. Collection method: clinical testing. Allele origin: germline. Observed: 1 variant allele.
Comment: PP2, PP3

Juno Genomics, Hangzhou Juno Genomics, Inc
Classification: Uncertain significance for Autosomal dominant nonsyndromic hearing loss 17; Macrothrombocytopenia and granulocyte inclusions with or without nephritis or sensorineural hearing loss. Review status: criteria provided, single submitter. Criteria: ACMG Guidelines, 2015. Collection method: clinical testing. Allele origin: germline. Affected: yes.
Comment: Absent from controls (or at extremely low frequency if recessive) in Genome Aggregation Database, Exome Sequencing Project, 1000 Genomes Project, or Exome Aggregation Consortium.